The following is an entry in ClinVar:

ClinVar aggregate classification (germline): Uncertain significance (1 of 4 stars; one submission).

Conditions:
Hajdu-Cheney syndrome (HJCYS). Also called: SERPENTINE FIBULA-POLYCYSTIC KIDNEY SYNDROME; Acroosteolysis dominant type; ACROOSTEOLYSIS WITH OSTEOPOROSIS AND CHANGES IN SKULL AND MANDIBLE. Identifiers: Orphanet 955, MedGen C0917715, MONDO:0007057, OMIM 102500.

gnomAD v4.1: 3 of 1,614,170 alleles (0.00019%); highest among the groups gnomAD compares: African/African-American, 0.0027%; no homozygotes.

Submission:

Labcorp Genetics (formerly Invitae), Labcorp
Classification: Uncertain significance for Hajdu-Cheney syndrome. Last evaluated: 2025-07-08. Review status: criteria provided, single submitter. Criteria: Invitae Variant Classification Sherloc (09022015). Collection method: clinical testing. Allele origin: germline.
Comment: This sequence change replaces lysine, which is basic and polar, with asparagine, which is neutral and polar, at codon 1353 of the NOTCH2 protein (p.Lys1353Asn). This variant is present in population databases (rs587725973, gnomAD 0.003%). This variant has not been reported in the literature in individuals affected with NOTCH2-related conditions. Invitae Evidence Modeling of protein sequence and biophysical properties (such as structural, functional, and spatial information, amino acid conservation, physicochemical variation, residue mobility, and thermodynamic stability) indicates that this missense variant is not expected to disrupt NOTCH2 protein function with a negative predictive value of 80%. In summary, the available evidence is currently insufficient to determine the role of this variant in disease. Therefore, it has been classified as a Variant of Uncertain Significance.

NM_024408.4(NOTCH2):c.4059G>C (p.Lys1353Asn)

Gene: NOTCH2 (notch receptor 2; minus strand). Cytogenetic location: 1p12.
Variant type: single nucleotide variant.
Coding change: c.4059G>C on transcript NM_024408.4 (MANE Select); coding-DNA position 4059, G replaced by C.
Protein change: p.Lys1353Asn; replaces lysine 1353 with asparagine.
Molecular consequence: missense variant.
Genome position (GRCh38, 1-based): chr1:119,925,757, C>G on the plus strand (G>C on the coding strand, the complement: NOTCH2 is on the minus strand). VCF-style: chr1-119925757-C-G. GRCh37 (hg19) VCF-style: chr1-120468380-C-G.
Other names: short protein forms K1353N.
Identifiers: ClinVar variation 4744783 (VCV004744783.1).